The following is an entry in ClinVar:

NM_024675.4(PALB2):c.2317A>T (p.Thr773Ser)

Gene: PALB2 (partner and localizer of BRCA2; minus strand). Cytogenetic location: 16p12.2.
Variant type: single nucleotide variant.
Coding change: c.2317A>T on transcript NM_024675.4 (MANE Select); coding-DNA position 2317, A replaced by T.
Protein change: p.Thr773Ser; replaces threonine 773 with serine.
Molecular consequence: missense variant.
Genome position (GRCh38, 1-based): chr16:23,629,837, T>A on the plus strand (A>T on the coding strand, the complement: PALB2 is on the minus strand). VCF-style: chr16-23629837-T-A. GRCh37 (hg19) VCF-style: chr16-23641158-T-A.
Other names: short protein forms T773S.
Identifiers: ClinVar variation 1511059 (VCV001511059.9), dbSNP rs1567217632, ClinGen allele CA395125161.

ClinVar aggregate classification (germline): Uncertain significance (1 of 4 stars; one submission).

Conditions:
Familial cancer of breast. Also called: hereditary breast carcinoma; Hereditary breast cancer; BREAST CANCER, FAMILIAL. Identifiers: Orphanet 227535, MedGen C0346153, MONDO:0016419, OMIM 114480. Disease mechanism: loss of function.

Submission:

Labcorp Genetics (formerly Invitae), Labcorp
Classification: Uncertain significance for Familial cancer of breast. Last evaluated: 2023-04-03. Review status: criteria provided, single submitter. Criteria: Invitae Variant Classification Sherloc (09022015). Collection method: clinical testing. Allele origin: germline.
Comment: This sequence change replaces threonine, which is neutral and polar, with serine, which is neutral and polar, at codon 773 of the PALB2 protein (p.Thr773Ser). In summary, the available evidence is currently insufficient to determine the role of this variant in disease. Therefore, it has been classified as a Variant of Uncertain Significance. Advanced modeling of protein sequence and biophysical properties (such as structural, functional, and spatial information, amino acid conservation, physicochemical variation, residue mobility, and thermodynamic stability) performed at Invitae indicates that this missense variant is not expected to disrupt PALB2 protein function. ClinVar contains an entry for this variant (Variation ID: 1511059). This variant has not been reported in the literature in individuals affected with PALB2-related conditions. This variant is not present in population databases (gnomAD no frequency).